The following is an entry in ClinVar:

ClinVar aggregate classification (germline): Uncertain significance (1 of 4 stars; one submission).

Submission:

Labcorp Genetics (formerly Invitae), Labcorp
Classification: Uncertain significance. Last evaluated: 2025-03-07. Review status: criteria provided, single submitter. Criteria: Invitae Variant Classification Sherloc (09022015). Collection method: clinical testing. Allele origin: germline.
Comment: This sequence change replaces tryptophan, which is neutral and slightly polar, with arginine, which is basic and polar, at codon 4 of the FUT8 protein (p.Trp4Arg). This variant is not present in population databases (gnomAD no frequency). This variant has not been reported in the literature in individuals affected with FUT8-related conditions. An algorithm developed to predict the effect of missense changes on protein structure and function (PolyPhen-2) suggests that this variant is likely to be tolerated. In summary, the available evidence is currently insufficient to determine the role of this variant in disease. Therefore, it has been classified as a Variant of Uncertain Significance.

NM_001371533.1(FUT8):c.10T>C (p.Trp4Arg)

Gene: FUT8 (fucosyltransferase 8; plus strand). Cytogenetic location: 14q23.3.
Variant type: single nucleotide variant.
Coding change: c.10T>C on transcript NM_001371533.1 (MANE Select); coding-DNA position 10, T replaced by C.
Protein change: p.Trp4Arg; replaces tryptophan 4 with arginine.
Molecular consequence: missense variant. On other transcripts: non-coding transcript variant (1), intron variant (1).
Genome position (GRCh38, 1-based): chr14:65,561,573, T>C. VCF-style: chr14-65561573-T-C. GRCh37 (hg19) VCF-style: chr14-66028291-T-C.
Other names: c.10T>C, p.Trp4Arg (NM_001371534.1, NM_001371536.1, NM_178155.3 and 1 more transcripts); c.-286-54405T>C (NM_004480.4); short protein forms W4R.
Identifiers: ClinVar variation 4798997 (VCV004798997.1).